The following is an entry in ClinVar:

NM_004863.4(SPTLC2):c.1059C>T (p.Gly353=)

Gene: SPTLC2 (serine palmitoyltransferase long chain base subunit 2; minus strand). Cytogenetic location: 14q24.3.
Variant type: single nucleotide variant.
Coding change: c.1059C>T on transcript NM_004863.4 (MANE Select); coding-DNA position 1059, C replaced by T.
Protein change: p.Gly353=; no amino-acid change (glycine 353 retained).
Molecular consequence: synonymous variant.
Genome position (GRCh38, 1-based): chr14:77,555,417, G>A on the plus strand (C>T on the coding strand, the complement: SPTLC2 is on the minus strand). VCF-style: chr14-77555417-G-A. GRCh37 (hg19) VCF-style: chr14-78021760-G-A.
Identifiers: ClinVar variation 507717 (VCV000507717.36), dbSNP rs747649289, ClinGen allele CA487327598.

ClinVar aggregate classification (germline): Likely benign. Review status: criteria provided, multiple submitters, no conflicts (2 of 4 stars). 5 submissions from 5 submitters: Likely benign (5). Last evaluated 2025-06-24.

Conditions:
Inborn genetic diseases. Identifiers: MedGen C0950123, MeSH D030342.
Neuropathy, hereditary sensory and autonomic, type 1C. Also called: HSAN IC; HSN IC. Identifiers: Orphanet 36386, MedGen C3150896, MONDO:0013337, OMIM 613640.
SPTLC2-related disorder. Also called: SPTLC2-related condition.

Allele frequency attached by ClinVar (database versions not stated): TOPMed below 0.00001; gnomAD 0.00001.
gnomAD v4.1: 9 of 1,614,026 alleles (0.00056%); highest among the groups gnomAD compares: Non-Finnish European, 0.00076%; no homozygotes.

Submissions (5):

PreventionGenetics, part of Exact Sciences
Classification: Likely benign for SPTLC2-related condition. Last evaluated: 2025-06-24. Review status: criteria provided, single submitter. Criteria: ACMG Guidelines, 2015. Collection method: clinical testing. Allele origin: germline.
Comment: This variant is classified as likely benign based on ACMG/AMP sequence variant interpretation guidelines (Richards et al. 2015 PMID: 25741868, with internal and published modifications).

Labcorp Genetics (formerly Invitae), Labcorp
Classification: Likely benign for Neuropathy, hereditary sensory and autonomic, type 1C. Last evaluated: 2024-07-18. Review status: criteria provided, single submitter. Criteria: Invitae Variant Classification Sherloc (09022015). Collection method: clinical testing. Allele origin: germline.

CeGaT Center for Human Genetics Tuebingen
Classification: Likely benign. Last evaluated: 2023-02-01. Review status: criteria provided, single submitter. Criteria: CeGaT Center For Human Genetics Tuebingen Variant Classification Criteria Version 2. Collection method: clinical testing. Allele origin: germline. Affected: yes. Observed: 1 variant allele.
Comment: SPTLC2: BP4, BP7

Ambry Genetics
Classification: Likely benign for Inborn genetic diseases. Last evaluated: 2019-07-11. Review status: criteria provided, single submitter. Criteria: Ambry Variant Classification Scheme 2023. Collection method: clinical testing. Allele origin: germline.

GeneDx
Classification: Likely benign. Last evaluated: 2017-02-28. Review status: criteria provided, single submitter. Criteria: GeneDx Variant Classification (06012015). Collection method: clinical testing. Allele origin: germline. Affected: yes.
Comment: This variant is considered likely benign or benign based on one or more of the following criteria: it is a conservative change, it occurs at a poorly conserved position in the protein, it is predicted to be benign by multiple in silico algorithms, and/or has population frequency not consistent with disease.